The following is an entry in ClinVar:

NM_001267550.2(TTN):c.8430del (p.Thr2811fs)

Gene: TTN (titin; minus strand). Cytogenetic location: 2q31.2.
Variant type: Deletion.
Coding change: c.8430del on transcript NM_001267550.2 (MANE Select); coding-DNA position 8430, one base deleted (C; older notation c.8430delC).
Protein change: p.Thr2811fs; shifts the reading frame from threonine 2811.
Molecular consequence: frameshift variant.
Genome position (GRCh38, 1-based): chr2:178,770,271, G deleted on the plus strand (C on the coding strand, the reverse complement: TTN is on the minus strand); the first of 2 consecutive G bases (chr2:178,770,271-178,770,272); deleting either gives the same sequence. VCF-style (leftmost placement, unchanged base first): chr2-178770270-TG-T. GRCh37 (hg19) VCF-style: chr2-179634997-TG-T.
Other names: c.8430del, p.Thr2811fs (NM_001256850.1, NM_133378.4, NM_133379.5); c.8292del, p.Thr2765fs (NM_003319.4, NM_133432.3, NM_133437.4); short protein forms T2765fs, T2811fs.
Identifiers: ClinVar variation 3749841 (VCV003749841.2).

ClinVar aggregate classification (germline): Likely pathogenic (1 of 4 stars; one submission).

Conditions:
Autosomal recessive limb-girdle muscular dystrophy type 2J (LGMDR10). Also called: Limb-girdle muscular dystrophy, type 2J; MUSCULAR DYSTROPHY, LIMB-GIRDLE, AUTOSOMAL RECESSIVE 10. Identifiers: Orphanet 140922, MedGen C1837342, MONDO:0012127, OMIM 608807.
Dilated cardiomyopathy 1G (CMD1G). Identifiers: Orphanet 154, MedGen C1858763, MONDO:0011400, OMIM 604145.

Submission:

Labcorp Genetics (formerly Invitae), Labcorp
Classification: Likely pathogenic for Dilated cardiomyopathy 1G; Autosomal recessive limb-girdle muscular dystrophy type 2J. Last evaluated: 2024-07-21. Review status: criteria provided, single submitter. Criteria: Invitae Variant Classification Sherloc (09022015). Collection method: clinical testing. Allele origin: germline.
Comment: This sequence change creates a premature translational stop signal (p.Thr2811Leufs*15) in the TTN gene. While this is not anticipated to result in nonsense mediated decay, it is expected to create a truncated TTN protein. This variant is not present in population databases (gnomAD no frequency). This variant has not been reported in the literature in individuals affected with TTN-related conditions. This variant is located in the I band of TTN (PMID: 25589632). Truncating variants in this region have been reported in individuals affected with autosomal recessive centronuclear myopathy (PMID: 23975875, Invitae internal data). Truncating variants in this region have also been identified in individuals affected with autosomal dominant dilated cardiomyopathy and/or cardio-related conditions (PMID: 27869827, 32964742, Invitae internal data). In summary, the currently available evidence indicates that the variant is pathogenic, but additional data are needed to prove that conclusively. Therefore, this variant has been classified as Likely Pathogenic.

Literature cited by the submitters: PubMed 25589632; PubMed 23975875; PubMed 27869827; PubMed 32964742.